The following is an entry in ClinVar:

ClinVar aggregate classification (germline): Uncertain significance (1 of 4 stars; one submission).

Conditions:
Hereditary cancer-predisposing syndrome. Also called: Tumor predisposition; Hereditary Cancer Syndrome; Neoplastic Syndromes, Hereditary; Hereditary neoplastic syndrome. Identifiers: Orphanet 140162, MedGen C0027672, MeSH D009386, MONDO:0015356.

Submission:

Color Diagnostics, LLC DBA Color Health
Classification: Uncertain significance for Hereditary cancer-predisposing syndrome. Last evaluated: 2021-12-02. Review status: criteria provided, single submitter. Criteria: ACMG Guidelines, 2015. Collection method: clinical testing. Allele origin: germline.
Comment: This variant causes an in-frame deletion of three amino acids, glycine 1710, lysine 1711 and tryptophan 1712, located in BRCT domain in the BRCA1 protein (PMID: 22737296, 24832651). To our knowledge, functional studies have not been reported for this variant nor has this variant been reported in individuals affected with hereditary cancer in the literature. Moreover, two nearby missense mutations, p.Val1714Gly and p.Ser1715Arg, have been reported as disease-causing in ClinVar (variation ID 55413, 55414) having been detected in individuals and families affected with breast and ovarian cancer (PMID: 11157798, 26344711, 29176636, 29752822) and shown in functional studies to impact BRCA1 activities (PMID: 11157798, 20516115, 28781887, 30209399), which suggests that the disruption at this protein region may impact protein function. This variant has not been identified in the general population by the Genome Aggregation Database (gnomAD). Although there is a suspicion that this variant may be associated with disease, additional studies are necessary to determine the role of this variant in disease conclusively. Therefore, this variant is classified as a Variant of Uncertain Significance.

Literature cited by the submitters: PubMed 11157798; PubMed 20516115; PubMed 22737296; PubMed 24832651; PubMed 26344711; PubMed 28781887; PubMed 29176636; PubMed 29752822; PubMed 30209399.

NM_007294.4(BRCA1):c.5129_5137del (p.Gly1710_Trp1712del)

Gene: BRCA1 (BRCA1 DNA repair associated; minus strand). Cytogenetic location: 17q21.31.
Variant type: Deletion.
Coding change: c.5129_5137del on transcript NM_007294.4 (MANE Select); coding-DNA positions 5129 to 5137, 9 bases deleted (GAAAATGGG; older notation c.5129_5137delGAAAATGGG).
Protein change: p.Gly1710_Trp1712del.
Molecular consequence: inframe deletion. On other transcripts: inframe indel (364), non-coding transcript variant (1).
Genome position (GRCh38, 1-based): chr17:43,063,889-43,063,897, CCCATTTTC deleted on the plus strand (GAAAATGGG on the coding strand, the reverse complement: BRCA1 is on the minus strand); deleting any 9 consecutive bases within chr17:43,063,889-43,063,898 gives the same sequence; the c. name uses the placement nearest the transcript's 3' end. VCF-style (leftmost placement, unchanged base first): chr17-43063888-ACCCATTTTC-A. GRCh37 (hg19) VCF-style: chr17-41215905-ACCCATTTTC-A.
Other names: c.4915_4923delGGAAAATGG, p.Gly1639_Trp1641del (NM_001407896.1, NM_001407897.1, NM_001407898.1 and 12 more transcripts); c.4858_4866delGGAAAATGG, p.Gly1620_Trp1622del (NM_001407936.1, NM_001407934.1, NM_001407935.1); c.5005_5013delGGAAAATGG, p.Gly1669_Trp1671del (NM_001407937.1, NM_001407938.1, NM_001407919.1 and 6 more transcripts); c.5002_5010delGGAAAATGG, p.Gly1668_Trp1670del (NM_001407939.1, NM_001407670.1, NM_001407671.1 and 10 more transcripts); c.4912_4920delGGAAAATGG, p.Gly1638_Trp1640del (NM_001407918.1, NM_001407915.1, NM_001407916.1 and 1 more transcripts); c.4864_4872delGGAAAATGG, p.Gly1622_Trp1624del (NM_001407920.1, NM_001407921.1, NM_001407924.1 and 4 more transcripts); c.4861_4869delGGAAAATGG, p.Gly1621_Trp1623del (NM_001407927.1, NM_001407928.1, NM_001407929.1 and 4 more transcripts); c.5194_5202delGGAAAATGG, p.Gly1732_Trp1734del (NM_001407581.1, NM_001407582.1); and 74 more.
Identifiers: ClinVar variation 1331893 (VCV001331893.5), dbSNP rs2153587974, ClinGen allele CA2573054438.